The following is an entry in ClinVar:

NM_001041.4(SI):c.3099G>A (p.Lys1033=)

Gene: SI (sucrase-isomaltase; minus strand). Cytogenetic location: 3q26.1.
Variant type: single nucleotide variant.
Coding change: c.3099G>A on transcript NM_001041.4 (MANE Select); coding-DNA position 3099, G replaced by A.
Protein change: p.Lys1033=; no amino-acid change (lysine 1033 retained).
Molecular consequence: synonymous variant.
Genome position (GRCh38, 1-based): chr3:165,023,570, C>T on the plus strand (G>A on the coding strand, the complement: SI is on the minus strand). VCF-style: chr3-165023570-C-T. GRCh37 (hg19) VCF-style: chr3-164741358-C-T.
Identifiers: ClinVar variation 2976983 (VCV002976983.2), dbSNP rs201844171, ClinGen allele CA2690396.

ClinVar aggregate classification (germline): Uncertain significance. Review status: criteria provided, multiple submitters, no conflicts (2 of 4 stars). 2 submissions from 2 submitters: Uncertain significance (2). Last evaluated 2024-03-29.

Conditions:
Sucrase-isomaltase deficiency (CSID). Also called: Congenital sucrose isomaltose malabsorption; Sucrose isomaltose enzyme deficiency; SI DEFICIENCY; Deficiency of isomaltase. Identifiers: Orphanet 35122, MedGen C1283620, MONDO:0009114, OMIM 222900.

Allele frequency attached by ClinVar (database versions not stated): ExAC 0.00002; gnomAD exomes 0.00005; TOPMed 0.00005; gnomAD 0.00006.
gnomAD v4.1: 83 of 1,607,500 alleles (0.0052%); highest among the groups gnomAD compares: Non-Finnish European, 0.0066%; no homozygotes.

Submissions (2):

Fulgent Genetics
Classification: Uncertain significance for Sucrase-isomaltase deficiency. Last evaluated: 2024-03-29. Review status: criteria provided, single submitter. Criteria: ACMG Guidelines, 2015. Collection method: clinical testing. Allele origin: germline.

Labcorp Genetics (formerly Invitae), Labcorp
Classification: Uncertain significance. Last evaluated: 2023-01-17. Review status: criteria provided, single submitter. Criteria: Invitae Variant Classification Sherloc (09022015). Collection method: clinical testing. Allele origin: germline.
Comment: In summary, the available evidence is currently insufficient to determine the role of this variant in disease. Therefore, it has been classified as a Variant of Uncertain Significance. Variants that disrupt the consensus splice site are a relatively common cause of aberrant splicing (PMID: 17576681, 9536098). Algorithms developed to predict the effect of sequence changes on RNA splicing suggest that this variant may disrupt the consensus splice site. This variant has not been reported in the literature in individuals affected with SI-related conditions. This variant is present in population databases (rs201844171, gnomAD 0.006%). This sequence change affects codon 1033 of the SI mRNA. It is a 'silent' change, meaning that it does not change the encoded amino acid sequence of the SI protein. This variant also falls at the last nucleotide of exon 26, which is part of the consensus splice site for this exon.

Literature cited by the submitters: PubMed 17576681 (cited by Labcorp Genetics (formerly Invitae), Labcorp); PubMed 9536098 (cited by Labcorp Genetics (formerly Invitae), Labcorp).